The following is an entry in ClinVar:

NM_000264.5(PTCH1):c.807G>C (p.Lys269Asn)

Gene: PTCH1 (patched 1; minus strand). Cytogenetic location: 9q22.32.
Variant type: single nucleotide variant.
Coding change: c.807G>C on transcript NM_000264.5 (MANE Select); coding-DNA position 807, G replaced by C.
Protein change: p.Lys269Asn; replaces lysine 269 with asparagine.
Molecular consequence: missense variant. On other transcripts: non-coding transcript variant (1).
Genome position (GRCh38, 1-based): chr9:95,480,528, C>G on the plus strand (G>C on the coding strand, the complement: PTCH1 is on the minus strand). VCF-style: chr9-95480528-C-G. GRCh37 (hg19) VCF-style: chr9-98242810-C-G.
Other names: c.609G>C, p.Lys203Asn (NM_001083602.3); c.804G>C, p.Lys268Asn (NM_001083603.3); c.354G>C, p.Lys118Asn (NM_001083604.3, NM_001083605.3, NM_001083606.3 and 1 more transcripts); c.807G>C, p.Lys269Asn (NM_001354918.2); short protein forms K118N, K203N, K269N, K268N.
Identifiers: ClinVar variation 3939900 (VCV003939900.2).
Genomic context (GRCh38, chr9:95,480,528, plus strand): 5'-ATGACCAACCTCAGCCTTATTCAGCATTTCCTCCCAGCTGTCCACTTGATAGTTTATTTT[C>G]TTTAACTCTTCCAGGAATTCCAAAGGGTCGAAGTTTGTCCACCGCAAAGGAGGTTTACCT-3'
Protein context (NP_000255.2, residues 259-279): FDPLEFLEEL[Lys269Asn]KINYQVDSWE

ClinVar aggregate classification (germline): Uncertain significance. Review status: criteria provided, multiple submitters, no conflicts (2 of 4 stars). 2 submissions from 2 submitters: Uncertain significance (2). Last evaluated 2025-06-01.

Conditions:
Hereditary cancer-predisposing syndrome. Also called: Tumor predisposition; Neoplastic Syndromes, Hereditary; Hereditary Cancer Syndrome; Hereditary neoplastic syndrome. Identifiers: Orphanet 140162, MedGen C0027672, MeSH D009386, MONDO:0015356.
Gorlin syndrome. Also called: Basal cell nevus syndrome; Nevoid Basal Cell Carcinoma Syndrome. Identifiers: Orphanet 377, MedGen C0004779, MONDO:0007187.

Submissions (2):

Ambry Genetics
Classification: Uncertain significance for Hereditary cancer-predisposing syndrome. Last evaluated: 2025-06-01. Review status: criteria provided, single submitter. Criteria: Ambry Variant Classification Scheme 2023. Collection method: clinical testing. Allele origin: germline.
Comment: The p.K269N variant (also known as c.807G>C), located in coding exon 6 of the PTCH1 gene, results from a G to C substitution at nucleotide position 807. The lysine at codon 269 is replaced by asparagine, an amino acid with similar properties. This amino acid position is conserved. In addition, this alteration is predicted to be tolerated by in silico analysis. Based on the available evidence, the clinical significance of this variant remains unclear.

Labcorp Genetics (formerly Invitae), Labcorp
Classification: Uncertain significance for Gorlin syndrome. Last evaluated: 2025-04-09. Review status: criteria provided, single submitter. Criteria: Invitae Variant Classification Sherloc (09022015). Collection method: clinical testing. Allele origin: germline.
Comment: This sequence change replaces lysine, which is basic and polar, with asparagine, which is neutral and polar, at codon 269 of the PTCH1 protein (p.Lys269Asn). This variant is not present in population databases (gnomAD no frequency). This variant has not been reported in the literature in individuals affected with PTCH1-related conditions. Invitae Evidence Modeling of protein sequence and biophysical properties (such as structural, functional, and spatial information, amino acid conservation, physicochemical variation, residue mobility, and thermodynamic stability) indicates that this missense variant is not expected to disrupt PTCH1 protein function with a negative predictive value of 95%. In summary, the available evidence is currently insufficient to determine the role of this variant in disease. Therefore, it has been classified as a Variant of Uncertain Significance.